The following is an entry in ClinVar:

ClinVar aggregate classification (germline): Uncertain significance (1 of 4 stars; one submission).

Submission:

Dasa
Classification: Uncertain significance. Last evaluated: 2025-12-24. Review status: criteria provided, single submitter. Criteria: DASA Assertion Criteria. Collection method: clinical testing. Allele origin: germline.
Comment: NM_016333.4(SRRM2):c.-34C>T is an intronic variant. This variant is rare in population databases. Computational prediction algorithms are consistent with a deleterious effect. The currently available literature and clinical evidence are not sufficient to establish a definitive association between this variant and the reported condition. Therefore, this variant is classified as a variant of uncertain significance.

NM_016333.4(SRRM2):c.-34C>T

Gene: SRRM2 (serine/arginine repetitive matrix 2; plus strand). Cytogenetic location: 16p13.3.
Variant type: single nucleotide variant.
Coding change: c.-34C>T on transcript NM_016333.4 (MANE Select); 34 bases upstream of the start codon, C replaced by T.
Molecular consequence: 5 prime UTR variant.
Genome position (GRCh38, 1-based): chr16:2,752,844, C>T. VCF-style: chr16-2752844-C-T. GRCh37 (hg19) VCF-style: chr16-2802845-C-T.
Identifiers: ClinVar variation 4885940 (VCV004885940.2).
Genomic context (GRCh38, chr16:2,752,844, plus strand): 5'-GGAGCTCGAGCAGCGGCGGCGGCAAGACCTCTCCCCCTCGGAGGCGGCGGGCGGAGGCGG[C>T]GGGTGAGAGGGTGAGGGAGCCAGCGAGCCGGGTGGGGGAGGGGCGGCGGCCCCGGCGCGA-3'